The following is an entry in ClinVar:

ClinVar aggregate classification (germline): Likely benign (1 of 4 stars; one submission).

Submission:

CeGaT Center for Human Genetics Tuebingen
Classification: Likely benign. Last evaluated: 2023-10-01. Review status: criteria provided, single submitter. Criteria: CeGaT Center For Human Genetics Tuebingen Variant Classification Criteria Version 2. Collection method: clinical testing. Allele origin: germline. Affected: yes. Observed: 1 variant allele.
Comment: C5: PM2:Supporting, BP4, BP7

NM_001735.3(C5):c.1374A>C (p.Ser458=)

Gene: C5 (complement C5; minus strand). Cytogenetic location: 9q33.2.
Variant type: single nucleotide variant.
Coding change: c.1374A>C on transcript NM_001735.3 (MANE Select); coding-DNA position 1374, A replaced by C.
Protein change: p.Ser458=; no amino-acid change (serine 458 retained).
Molecular consequence: synonymous variant.
Genome position (GRCh38, 1-based): chr9:121,020,108, T>G on the plus strand (A>C on the coding strand, the complement: C5 is on the minus strand). VCF-style: chr9-121020108-T-G. GRCh37 (hg19) VCF-style: chr9-123782386-T-G.
Other names: c.1392A>C, p.Ser464= (NM_001317163.2); c.1374A>C, p.Ser458= (NM_001317164.2).
Identifiers: ClinVar variation 2659472 (VCV002659472.24), dbSNP rs2540432929, ClinGen allele CA466942617.